The following is an entry in ClinVar:

ClinVar aggregate classification (germline): Conflicting classifications of pathogenicity. Review status: criteria provided, conflicting classifications (1 of 4 stars). 2 submissions from 2 submitters: Uncertain significance (1); Likely benign (1). Last evaluated 2026-04-14.

Conditions:
Hereditary cancer-predisposing syndrome. Also called: Tumor predisposition; Hereditary neoplastic syndrome; Neoplastic Syndromes, Hereditary; Hereditary Cancer Syndrome. Identifiers: Orphanet 140162, MedGen C0027672, MeSH D009386, MONDO:0015356.
Familial cancer of breast. Also called: hereditary breast carcinoma; Hereditary breast cancer; BREAST CANCER, FAMILIAL. Identifiers: Orphanet 227535, MedGen C0346153, MONDO:0016419, OMIM 114480. Disease mechanism: loss of function.
Fanconi anemia complementation group J. Also called: BRIP1-Related Fanconi Anemia. Identifiers: Orphanet 84, MedGen C1836860, MONDO:0012187, OMIM 609054.

Allele frequency attached by ClinVar (database versions not stated): gnomAD exomes below 0.00001; ExAC 0.00001.
gnomAD v4.1: 1 of 1,614,004 alleles (0.000062%); highest among the groups gnomAD compares: Admixed American, 0.0017%; no homozygotes.

Submissions (2):

Ambry Genetics
Classification: Likely benign for Hereditary cancer-predisposing syndrome. Last evaluated: 2026-04-14. Review status: criteria provided, single submitter. Criteria: Ambry Variant Classification Scheme 2023. Collection method: clinical testing. Allele origin: germline.

Labcorp Genetics (formerly Invitae), Labcorp
Classification: Uncertain significance for Familial cancer of breast; Fanconi anemia complementation group J. Last evaluated: 2019-11-09. Review status: criteria provided, single submitter. Criteria: Invitae Variant Classification Sherloc (09022015). Collection method: clinical testing. Allele origin: germline.
Comment: In summary, the available evidence is currently insufficient to determine the role of this variant in disease. Therefore, it has been classified as a Variant of Uncertain Significance. Algorithms developed to predict the effect of missense changes on protein structure and function output the following: SIFT: "Tolerated"; PolyPhen-2: "Benign"; Align-GVGD: "Class C0". The arginine amino acid residue is found in multiple mammalian species, suggesting that this missense change does not adversely affect protein function. These predictions have not been confirmed by published functional studies and their clinical significance is uncertain. This variant has not been reported in the literature in individuals with BRIP1-related disease. This variant is present in population databases (rs777068696, ExAC 0.009%). This sequence change replaces glycine with arginine at codon 103 of the BRIP1 protein (p.Gly103Arg). The glycine residue is weakly conserved and there is a moderate physicochemical difference between glycine and arginine.

NM_032043.3(BRIP1):c.307G>A (p.Gly103Arg)

Gene: BRIP1 (BRCA1 interacting DNA helicase 1; minus strand). Cytogenetic location: 17q23.2.
Variant type: single nucleotide variant.
Coding change: c.307G>A on transcript NM_032043.3 (MANE Select); coding-DNA position 307, G replaced by A.
Protein change: p.Gly103Arg; replaces glycine 103 with arginine.
Molecular consequence: missense variant.
Genome position (GRCh38, 1-based): chr17:61,857,130, C>T on the plus strand (G>A on the coding strand, the complement: BRIP1 is on the minus strand). VCF-style: chr17-61857130-C-T. GRCh37 (hg19) VCF-style: chr17-59934491-C-T.
Other names: short protein forms G103R.
Identifiers: ClinVar variation 530334 (VCV000530334.12), dbSNP rs777068696, ClinGen allele CA8690962.
Genomic context (GRCh38, chr17:61,857,130, plus strand): 5'-ATGAAGTGCCATTTCTTTCAGAAGGTGGTGTGCTTGGATAGTTGAAATGACGTGAAGTTC[C>T]TTGGTTCATGTCATTGTTTGTAAAATCCTTTGAATGGCATGCACAACAACATGACAATTG-3'
Protein context (NP_114432.2, residues 93-113): KDFTNNDMNQ[Gly103Arg]TSRHFNYPST